The following is an entry in ClinVar:

ClinVar aggregate classification (germline): Uncertain significance (1 of 4 stars; one submission).

Conditions:
Intellectual developmental disorder, X-linked 1. Also called: Atkin Flaitz Patil Smith syndrome; Intellectual disability, X-linked 1; MENTAL RETARDATION, X-LINKED 18; MENTAL RETARDATION, X-LINKED 78. Identifiers: Orphanet 777, MedGen C2931498, MONDO:0010656, OMIM 309530.

Allele frequency attached by ClinVar (database versions not stated): TOPMed 0.00001.

Submission:

Labcorp Genetics (formerly Invitae), Labcorp
Classification: Uncertain significance for Intellectual developmental disorder, X-linked 1. Last evaluated: 2024-05-05. Review status: criteria provided, single submitter. Criteria: Invitae Variant Classification Sherloc (09022015). Collection method: clinical testing. Allele origin: germline.
Comment: This sequence change replaces threonine, which is neutral and polar, with isoleucine, which is neutral and non-polar, at codon 562 of the IQSEC2 protein (p.Thr562Ile). This variant is not present in population databases (gnomAD no frequency). This variant has not been reported in the literature in individuals affected with IQSEC2-related conditions. ClinVar contains an entry for this variant (Variation ID: 1370094). Advanced modeling of protein sequence and biophysical properties (such as structural, functional, and spatial information, amino acid conservation, physicochemical variation, residue mobility, and thermodynamic stability) performed at Invitae indicates that this missense variant is not expected to disrupt IQSEC2 protein function with a negative predictive value of 95%. In summary, the available evidence is currently insufficient to determine the role of this variant in disease. Therefore, it has been classified as a Variant of Uncertain Significance.

NM_001111125.3(IQSEC2):c.1685C>T (p.Thr562Ile)

Gene: IQSEC2 (IQ motif and Sec7 domain ArfGEF 2; minus strand). Cytogenetic location: Xp11.22.
Variant type: single nucleotide variant.
Coding change: c.1685C>T on transcript NM_001111125.3 (MANE Select); coding-DNA position 1685, C replaced by T.
Protein change: p.Thr562Ile; replaces threonine 562 with isoleucine.
Molecular consequence: missense variant.
Genome position (GRCh38, 1-based): chrX:53,250,891, G>A on the plus strand (C>T on the coding strand, the complement: IQSEC2 is on the minus strand). VCF-style: chrX-53250891-G-A. GRCh37 (hg19) VCF-style: chrX-53280073-G-A.
Other names: c.1070C>T, p.Thr357Ile (NM_015075.2); short protein forms T357I, T562I.
Identifiers: ClinVar variation 1370094 (VCV001370094.6), dbSNP rs2074377330, ClinGen allele CA413164588.